The following is an entry in ClinVar:

NM_014363.6(SACS):c.9159_9160del (p.Asn3054fs)

Gene: SACS (sacsin molecular chaperone; minus strand). Cytogenetic location: 13q12.12.
Variant type: Microsatellite.
Coding change: c.9159_9160del on transcript NM_014363.6 (MANE Select); coding-DNA positions 9159 to 9160, 2 bases deleted (GA; older notation c.9159_9160delGA).
Protein change: p.Asn3054fs; shifts the reading frame from asparagine 3054.
Molecular consequence: frameshift variant.
Genome position (GRCh38, 1-based): chr13:23,334,716-23,334,717, TC deleted on the plus strand (GA on the coding strand, the reverse complement: SACS is on the minus strand); deleting any 2 consecutive bases within chr13:23,334,716-23,334,720 gives the same sequence; the c. name uses the placement nearest the transcript's 3' end. VCF-style (leftmost placement, unchanged base first): chr13-23334715-TTC-T. GRCh37 (hg19) VCF-style: chr13-23908854-TTC-T.
Other names: c.8718_8719del, p.Asn2907fs (NM_001278055.2); c.9186_9187del, p.Asn3063fs (NM_001437336.1); short protein forms N2907fs, N3054fs, N3063fs.
Identifiers: ClinVar variation 4805238 (VCV004805238.1).
Genomic context (GRCh38, chr13:23,334,715, plus strand): 5'-TCACAGTTATAAACCAAGTTGAAACCAATTTCTAAAAGGAGATGTTTCAGCCTATAGACA[TTC>T]TCTGCTACTGTTTTGCGTGTGGTGATATTATAATCTGCATTTTTAAGGTGTTGTAATTCA-3'

ClinVar aggregate classification (germline): Pathogenic (1 of 4 stars; one submission).

Conditions:
Spastic paraplegia. Identifiers: MedGen C0037772, HP:0001258.

Submission:

Labcorp Genetics (formerly Invitae), Labcorp
Classification: Pathogenic for Spastic paraplegia. Last evaluated: 2025-10-10. Review status: criteria provided, single submitter. Criteria: Invitae Variant Classification Sherloc (09022015). Collection method: clinical testing. Allele origin: germline.
Comment: This sequence change creates a premature translational stop signal (p.Asn3054Cysfs*3) in the SACS gene. While this is not anticipated to result in nonsense mediated decay, it is expected to disrupt the last 1526 amino acid(s) of the SACS protein. This variant is not present in population databases (gnomAD no frequency). This variant has not been reported in the literature in individuals affected with SACS-related conditions. This variant disrupts a region of the SACS protein in which other variant(s) (p.Asn4549Asp) have been determined to be pathogenic (PMID: 15156359, 21507954). This suggests that this is a clinically significant region of the protein, and that variants that disrupt it are likely to be disease-causing. For these reasons, this variant has been classified as Pathogenic.

Literature cited by the submitters: PubMed 15156359; PubMed 21507954.